The following is an entry in ClinVar:

NM_004260.4(RECQL4):c.3047C>G (p.Pro1016Arg)

Gene: RECQL4 (RecQ like helicase 4; minus strand). Cytogenetic location: 8q24.3.
Variant type: single nucleotide variant.
Coding change: c.3047C>G on transcript NM_004260.4 (MANE Select); coding-DNA position 3047, C replaced by G.
Protein change: p.Pro1016Arg; replaces proline 1016 with arginine.
Molecular consequence: missense variant. On other transcripts: non-coding transcript variant (3).
Genome position (GRCh38, 1-based): chr8:144,512,400, G>C on the plus strand (C>G on the coding strand, the complement: RECQL4 is on the minus strand). VCF-style: chr8-144512400-G-C. GRCh37 (hg19) VCF-style: chr8-145737783-G-C.
Other names: c.2753C>G, p.Pro918Arg (NM_001413017.1); c.2849C>G, p.Pro950Arg (NM_001413018.1); c.3122C>G, p.Pro1041Arg (NM_001413019.1); c.2951C>G, p.Pro984Arg (NM_001413020.1); c.1976C>G, p.Pro659Arg (NM_001413021.1, NM_001413022.1, NM_001413024.1 and 4 more transcripts); c.2051C>G, p.Pro684Arg (NM_001413023.1); c.2918C>G, p.Pro973Arg (NM_001413025.1); c.1910C>G, p.Pro637Arg (NM_001413027.1, NM_001413030.1, NM_001413032.1); and 9 more; short protein forms P1016R, P527R, P918R, P973R, P1041R, P593R, P615R, P637R.
Identifiers: ClinVar variation 3787958 (VCV003787958.1).
Genomic context (GRCh38, chr8:144,512,400, plus strand): 5'-TCAGATGCAGGCAGGCAGCGTCCAGGGCGGTGTGGGGTGGGGAGAGGCGCACCTGTCCTG[G>C]GCTCGTGGTCCCACTGCAGCTGGCAGAGAGCCCGCCGCACAGAGGCCAGCTCCCAGCCCA-3'
Protein context (NP_004251.4, residues 1006-1026): ALCQLQWDHE[Pro1016Arg]RTGVRRGTGV

ClinVar aggregate classification (germline): Uncertain significance (1 of 4 stars; one submission).

Conditions:
Inborn genetic diseases. Identifiers: MedGen C0950123, MeSH D030342.

Submission:

Ambry Genetics
Classification: Uncertain significance for Inborn genetic diseases. Last evaluated: 2024-12-22. Review status: criteria provided, single submitter. Criteria: Ambry Variant Classification Scheme 2023. Collection method: clinical testing. Allele origin: germline.
Comment: The p.P1016R variant (also known as c.3047C>G), located in coding exon 17 of the RECQL4 gene, results from a C to G substitution at nucleotide position 3047. The proline at codon 1016 is replaced by arginine, an amino acid with dissimilar properties. This amino acid position is conserved. In addition, this alteration is predicted to be tolerated by in silico analysis. Based on the available evidence, the clinical significance of this variant remains unclear.